The following is an entry in ClinVar:

ClinVar aggregate classification (germline): Uncertain significance. Review status: criteria provided, multiple submitters, no conflicts (2 of 4 stars). 3 submissions from 3 submitters: Uncertain significance (3). Last evaluated 2024-10-04.

Conditions:
Inborn genetic diseases. Identifiers: MedGen C0950123, MeSH D030342.
Autosomal recessive congenital ichthyosis 1 (LI1). Also called: COLLODION FETUS; DESQUAMATION OF NEWBORN; ICHTHYOSIS CONGENITA; ICHTHYOSIS CONGENITA II; LAMELLAR EXFOLIATION OF NEWBORN; ICHTHYOSIS, CONGENITAL, AUTOSOMAL RECESSIVE 1, WITH BATHING SUIT DISTRIBUTION. Identifiers: MedGen C4551630, MONDO:0009441, OMIM 242300.

Allele frequency attached by ClinVar (database versions not stated): gnomAD 0.00001 and 0.00002; TOPMed 0.00001; gnomAD exomes 0.00002; ExAC 0.00004; ESP Exome Variant Server 0.00008; 1000 Genomes Project 30x 0.00016; 1000 Genomes Project 0.00020.
gnomAD v4.1: 34 of 1,613,584 alleles (0.0021%); highest among the groups gnomAD compares: East Asian, 0.011%; no homozygotes.

Submissions (3):

Labcorp Genetics (formerly Invitae), Labcorp
Classification: Uncertain significance. Last evaluated: 2024-10-04. Review status: criteria provided, single submitter. Criteria: Invitae Variant Classification Sherloc (09022015). Collection method: clinical testing. Allele origin: germline.
Comment: This sequence change replaces arginine, which is basic and polar, with tryptophan, which is neutral and slightly polar, at codon 89 of the TGM1 protein (p.Arg89Trp). This variant is present in population databases (rs146189995, gnomAD 0.01%). This variant has not been reported in the literature in individuals affected with TGM1-related conditions. ClinVar contains an entry for this variant (Variation ID: 881113). Invitae Evidence Modeling of protein sequence and biophysical properties (such as structural, functional, and spatial information, amino acid conservation, physicochemical variation, residue mobility, and thermodynamic stability) has been performed for this missense variant. However, the output from this modeling did not meet the statistical confidence thresholds required to predict the impact of this variant on TGM1 protein function. In summary, the available evidence is currently insufficient to determine the role of this variant in disease. Therefore, it has been classified as a Variant of Uncertain Significance.

Ambry Genetics
Classification: Uncertain significance for Inborn genetic diseases. Last evaluated: 2023-12-16. Review status: criteria provided, single submitter. Criteria: Ambry Variant Classification Scheme 2023. Collection method: clinical testing. Allele origin: germline.

Illumina Laboratory Services, Illumina
Classification: Uncertain significance for Autosomal recessive congenital ichthyosis 1. Last evaluated: 2018-01-13. Review status: criteria provided, single submitter. Criteria: ICSL Variant Classification Criteria 13 December 2019. Collection method: clinical testing. Allele origin: germline.

NM_000359.3(TGM1):c.265C>T (p.Arg89Trp)

Gene: TGM1 (transglutaminase 1; minus strand). Cytogenetic location: 14q12.
Variant type: single nucleotide variant.
Coding change: c.265C>T on transcript NM_000359.3 (MANE Select); coding-DNA position 265, C replaced by T.
Protein change: p.Arg89Trp; replaces arginine 89 with tryptophan.
Molecular consequence: missense variant.
Genome position (GRCh38, 1-based): chr14:24,262,088, G>A on the plus strand (C>T on the coding strand, the complement: TGM1 is on the minus strand). VCF-style: chr14-24262088-G-A. GRCh37 (hg19) VCF-style: chr14-24731294-G-A.
Other names: short protein forms R89W.
Identifiers: ClinVar variation 881113 (VCV000881113.7), dbSNP rs146189995, ClinGen allele CA7131496.